The following is an entry in ClinVar:

NM_000883.4(IMPDH1):c.888C>T (p.Ile296=)

Gene: IMPDH1 (inosine monophosphate dehydrogenase 1; minus strand). Cytogenetic location: 7q32.1.
Variant type: single nucleotide variant.
Coding change: c.888C>T on transcript NM_000883.4 (MANE Select); coding-DNA position 888, C replaced by T.
Protein change: p.Ile296=; no amino-acid change (isoleucine 296 retained).
Molecular consequence: synonymous variant.
Genome position (GRCh38, 1-based): chr7:128,398,600, G>A on the plus strand (C>T on the coding strand, the complement: IMPDH1 is on the minus strand). VCF-style: chr7-128398600-G-A. GRCh37 (hg19) VCF-style: chr7-128038654-G-A.
Other names: c.858C>T, p.Ile286= (NM_001102605.2); c.633C>T, p.Ile211= (NM_001142573.2); c.618C>T, p.Ile206= (NM_001142574.2); c.558C>T, p.Ile186= (NM_001142575.2); c.789C>T, p.Ile263= (NM_001142576.2); c.681C>T, p.Ile227= (NM_001304521.2); c.780C>T, p.Ile260= (NM_183243.3).
Identifiers: ClinVar variation 358877 (VCV000358877.17), dbSNP rs72624957, ClinGen allele CA4470993.
Genomic context (GRCh38, chr7:128,398,600, plus strand): 5'-TCGGTTCTTCTTCAGGTCGGTGCGGGCGATGATGGCCACCAGCTCATCGCAATCATTGAC[G>A]ATAGGCAGCTTCCCTGACAAGGAATGCAGGGGTGAAATGAAGCAGGCTTGGTGGGGAGAA-3'
Protein context (NP_000874.2, residues 286-306): LQRSKKGKLP[Ile296=]VNDCDELVAI

ClinVar aggregate classification (germline): Conflicting classifications of pathogenicity. Review status: criteria provided, conflicting classifications (1 of 4 stars). 5 submissions from 4 submitters: Uncertain significance (2); Likely benign (3). Last evaluated 2026-01-01.

Conditions:
Leber congenital amaurosis 11 (LCA11). Identifiers: Orphanet 65, MedGen C1840284, MONDO:0013454, OMIM 613837.
Retinitis pigmentosa (RP). Identifiers: Orphanet 791, MedGen C0035334, MeSH D012174, MONDO:0019200, OMIM 268000. Inheritance: Autosomal dominant, autosomal recessive and X linked inheritance.

Allele frequency attached by ClinVar (database versions not stated): ExAC 0.00018; gnomAD exomes 0.00022 and 0.00023; gnomAD 0.00029 and 0.00031; 1000 Genomes Project 30x 0.00031; ESP Exome Variant Server 0.00031; 1000 Genomes Project 0.00040; TOPMed 0.00042.
gnomAD v4.1: 394 of 1,612,780 alleles (0.024%); highest among the groups gnomAD compares: Middle Eastern, 0.48%; no homozygotes.

Submissions (5):

CeGaT Center for Human Genetics Tuebingen
Classification: Likely benign. Last evaluated: 2026-01-01. Review status: criteria provided, single submitter. Criteria: CeGaT Center For Human Genetics Tuebingen Variant Classification Criteria Version 2. Collection method: clinical testing. Allele origin: germline. Affected: yes. Observed: 1 variant allele.
Comment: IMPDH1: BP4, BP7

Labcorp Genetics (formerly Invitae), Labcorp
Classification: Likely benign. Last evaluated: 2025-12-08. Review status: criteria provided, single submitter. Criteria: Invitae Variant Classification Sherloc (09022015). Collection method: clinical testing. Allele origin: germline.

Blueprint Genetics
Classification: Likely benign. Last evaluated: 2024-11-21. Review status: criteria provided, single submitter. Criteria: ACMG Guidelines, 2015. Collection method: clinical testing. Allele origin: germline.

Illumina Laboratory Services, Illumina
Classification: Uncertain significance for Retinitis pigmentosa. Last evaluated: 2018-01-13. Review status: criteria provided, single submitter. Criteria: ICSL Variant Classification Criteria 13 December 2019. Collection method: clinical testing. Allele origin: germline.

Illumina Laboratory Services, Illumina
Classification: Uncertain significance for Leber congenital amaurosis 11. Last evaluated: 2018-01-13. Review status: criteria provided, single submitter. Criteria: ICSL Variant Classification Criteria 13 December 2019. Collection method: clinical testing. Allele origin: germline.